The following is an entry in ClinVar:

NM_000836.4(GRIN2D):c.460C>A (p.Pro154Thr)

Genes: GRIN2D (glutamate ionotropic receptor NMDA type subunit 2D; plus strand), LOC130064856 (ATAC-STARR-seq lymphoblastoid silent region 10880; plus strand). Cytogenetic location: 19q13.33.
Variant type: single nucleotide variant.
Coding change: c.460C>A on transcript NM_000836.4 (MANE Select); coding-DNA position 460, C replaced by A.
Protein change: p.Pro154Thr; replaces proline 154 with threonine.
Molecular consequence: missense variant.
Genome position (GRCh38, 1-based): chr19:48,398,852, C>A. VCF-style: chr19-48398852-C-A. GRCh37 (hg19) VCF-style: chr19-48902109-C-A.
Other names: short protein forms P154T.
Identifiers: ClinVar variation 1049495 (VCV001049495.1), dbSNP rs957638664, ClinGen allele CA309325652.

ClinVar aggregate classification (germline): Uncertain significance (0 of 4 stars; one submission).

Allele frequency attached by ClinVar (database versions not stated): gnomAD exomes below 0.00001; TOPMed below 0.00001; gnomAD 0.00001.
gnomAD v4.1: 2 of 1,339,914 alleles (0.00015%); highest among the groups gnomAD compares: South Asian, 0.0018%; no homozygotes.

Submission:

Department of Pathology and Laboratory Medicine, Sinai Health System
Classification: Uncertain significance. Review status: no assertion criteria provided. Collection method: clinical testing. Allele origin: unknown. Affected: yes. Study: The Canadian Open Genetics Repository (COGR).
Comment: The GRIN2D p.P154T variant was not identified in the literature nor was it identified in ClinVar. The variant was identified in dbSNP (ID: rs957638664) but was not identified in the following control databases: the 1000 Genomes Project, the NHLBI GO Exome Sequencing Project, or the Genome Aggregation Database (March 6, 2019, v2.1.1). The p.P154 residue is not conserved in mammals and computational analyses (PolyPhen-2, SIFT, MutationTaster, Revel, FATHMM, MetaLR, DANN) do not suggest a high likelihood of impact to the protein; however, this information is not predictive enough to rule out pathogenicity. The variant occurs outside of the splicing consensus sequence and in silico or computational prediction software programs (Splice AI exome) do not predict a difference in splicing. In summary, based on the above information the clinical significance of this variant cannot be determined with certainty at this time. This variant is classified as a variant of uncertain significance.